The following is an entry in ClinVar:

ClinVar aggregate classification (germline): Likely pathogenic. Review status: criteria provided, multiple submitters, no conflicts (2 of 4 stars). 4 submissions from 4 submitters: Likely pathogenic (2). 2 of the submissions do not count toward it. Last evaluated 2025-08-03.

Conditions:
COL3A1-related disorder. Also called: COL3A1-related condition.
Ehlers-Danlos syndrome, type 4 (EDSVASC). Also called: Ehlers-Danlos syndrome vascular type; Ehlers Danlos syndrome, ecchymotic type; Ehlers Danlos syndrome, arterial type; Ehlers Danlos syndrome, Sack-Barabas type; Ehlers-Danlos Syndrome Type IV. Identifiers: Orphanet 286, MedGen C0268338, MONDO:0017314, OMIM 130050.

Submissions (4):

Labcorp Genetics (formerly Invitae), Labcorp
Classification: Likely pathogenic for Ehlers-Danlos syndrome, type 4. Last evaluated: 2025-08-03. Review status: criteria provided, single submitter. Criteria: Invitae Variant Classification Sherloc (09022015). Collection method: clinical testing. Allele origin: germline.
Comment: This sequence change replaces glycine, which is neutral and non-polar, with aspartic acid, which is acidic and polar, at codon 666 of the COL3A1 protein (p.Gly666Asp). This variant is not present in population databases (gnomAD no frequency). This missense change has been observed in individual(s) with clinical features of Ehlers-Danlos syndrome, vascular type (PMID: 8664902, 10706896). This variant is also known as G499D. ClinVar contains an entry for this variant (Variation ID: 17223). Invitae Evidence Modeling of protein sequence and biophysical properties (such as structural, functional, and spatial information, amino acid conservation, physicochemical variation, residue mobility, and thermodynamic stability) indicates that this missense variant is expected to disrupt COL3A1 protein function with a positive predictive value of 95%. This variant disrupts the triple helix domain of COL3A1. Glycine residues within the Gly-Xaa-Yaa repeats of the triple helix domain are required for the structure and stability of fibrillar collagens (PMID: 7695699, 8218237, 19344236). In COL3A1, variants that affect these glycine residues are significantly enriched in individuals with disease (PMID: 24922459, 25758994) compared to the general population (ExAC). This variant disrupts the p.Gly666 amino acid residue in COL3A1. Other variant(s) that disrupt this residue have been observed in individuals with COL3A1-related conditions (internal data), which suggests that this may be a clinically significant amino acid residue. In summary, the currently available evidence indicates that the variant is pathogenic, but additional data are needed to prove that conclusively. Therefore, this variant has been classified as Likely Pathogenic.

Blueprint Genetics
Classification: Likely pathogenic for COL3A1-related disorders. Last evaluated: 2024-08-13. Review status: criteria provided, single submitter. Criteria: ACMG Guidelines, 2015. Collection method: clinical testing. Allele origin: germline. Affected: yes. Observed: 1 variant allele.

OMIM
Classification: Pathogenic for EHLERS-DANLOS SYNDROME, VASCULAR TYPE. Last evaluated: 2000-03-09. Review status: no assertion criteria provided. Collection method: literature only. Allele origin: germline. Not counted in ClinVar's aggregate classification.

Collagen Diagnostic Laboratory, University of Washington
Classification: Pathogenic for Ehlers-Danlos syndrome, type 4. Review status: no assertion criteria provided. Collection method: clinical testing. Allele origin: germline. Affected: yes. Not counted in ClinVar's aggregate classification.

Literature cited by the submitters: PubMed 8664902 (cited by Labcorp Genetics (formerly Invitae), Labcorp and OMIM); PubMed 10706896 (cited by 3 submitters); PubMed 7695699 (cited by Labcorp Genetics (formerly Invitae), Labcorp); PubMed 8218237 (cited by Labcorp Genetics (formerly Invitae), Labcorp); PubMed 19344236 (cited by Labcorp Genetics (formerly Invitae), Labcorp); PubMed 24922459 (cited by Labcorp Genetics (formerly Invitae), Labcorp); PubMed 25758994 (cited by Labcorp Genetics (formerly Invitae), Labcorp); PubMed 3076851 (cited by OMIM).

NM_000090.4(COL3A1):c.1997G>A (p.Gly666Asp)

Gene: COL3A1 (collagen type III alpha 1 chain; plus strand). Cytogenetic location: 2q32.2.
Variant type: single nucleotide variant.
Coding change: c.1997G>A on transcript NM_000090.4 (MANE Select); coding-DNA position 1997, G replaced by A.
Protein change: p.Gly666Asp; replaces glycine 666 with aspartic acid.
Molecular consequence: missense variant.
Genome position (GRCh38, 1-based): chr2:188,998,693, G>A. VCF-style: chr2-188998693-G-A. GRCh37 (hg19) VCF-style: chr2-189863419-G-A.
Other names: G499D.
Identifiers: ClinVar variation 17223 (VCV000017223.13), dbSNP rs121912921, ClinGen allele CA004844.
Genomic context (GRCh38, chr2:188,998,693, plus strand): 5'-CACTCTGATATGGGCCTAATCATATAATGCCAATCTCCCAGGGTCCAAAGGGTGATGCCG[G>A]TGCACCTGGAGCTCCAGGAGGCAAGGTAGTATTTCAATTTATTCTCTACCTTCTTCAGCA-3'
Protein context (NP_000081.2, residues 656-676): PGEPGPKGDA[Gly666Asp]APGAPGGKGD